The following is an entry in ClinVar:

NM_031935.3(HMCN1):c.15502A>G (p.Ile5168Val)

Gene: HMCN1 (hemicentin 1; plus strand). Cytogenetic location: 1q31.1.
Variant type: single nucleotide variant.
Coding change: c.15502A>G on transcript NM_031935.3 (MANE Select); coding-DNA position 15502, A replaced by G.
Protein change: p.Ile5168Val; replaces isoleucine 5168 with valine.
Molecular consequence: missense variant.
Genome position (GRCh38, 1-based): chr1:186,166,870, A>G. VCF-style: chr1-186166870-A-G. GRCh37 (hg19) VCF-style: chr1-186136002-A-G.
Other names: short protein forms I5168V.
Identifiers: ClinVar variation 1714353 (VCV001714353.5), dbSNP rs2528215247, ClinGen allele CA343930301.

ClinVar aggregate classification (germline): Uncertain significance (1 of 4 stars; one submission).

Submission:

Labcorp Genetics (formerly Invitae), Labcorp
Classification: Uncertain significance. Last evaluated: 2023-01-11. Review status: criteria provided, single submitter. Criteria: Invitae Variant Classification Sherloc (09022015). Collection method: clinical testing. Allele origin: germline.
Comment: This variant has not been reported in the literature in individuals affected with HMCN1-related conditions. In summary, the available evidence is currently insufficient to determine the role of this variant in disease. Therefore, it has been classified as a Variant of Uncertain Significance. Algorithms developed to predict the effect of missense changes on protein structure and function (SIFT, PolyPhen-2, Align-GVGD) all suggest that this variant is likely to be tolerated. ClinVar contains an entry for this variant (Variation ID: 1714353). This variant is not present in population databases (gnomAD no frequency). This sequence change replaces isoleucine, which is neutral and non-polar, with valine, which is neutral and non-polar, at codon 5168 of the HMCN1 protein (p.Ile5168Val).